The following is an entry in ClinVar:

ClinVar aggregate classification (germline): Uncertain significance (1 of 4 stars; one submission).

Conditions:
RYR1-related disorder. Also called: RYR1-related condition; RYR1-related disorders. Identifiers: MedGen CN239331.

gnomAD v4.1: 3 of 1,614,020 alleles (0.00019%); highest among the groups gnomAD compares: Non-Finnish European, 0.00025%; no homozygotes.

Submission:

Labcorp Genetics (formerly Invitae), Labcorp
Classification: Uncertain significance for RYR1-related disorder. Last evaluated: 2024-02-22. Review status: criteria provided, single submitter. Criteria: Invitae Variant Classification Sherloc (09022015). Collection method: clinical testing. Allele origin: germline.
Comment: This sequence change replaces glutamine, which is neutral and polar, with arginine, which is basic and polar, at codon 459 of the RYR1 protein (p.Gln459Arg). This variant is not present in population databases (gnomAD no frequency). This variant has not been reported in the literature in individuals affected with RYR1-related conditions. Advanced modeling of protein sequence and biophysical properties (such as structural, functional, and spatial information, amino acid conservation, physicochemical variation, residue mobility, and thermodynamic stability) performed at Invitae indicates that this missense variant is not expected to disrupt RYR1 protein function with a negative predictive value of 95%. In summary, the available evidence is currently insufficient to determine the role of this variant in disease. Therefore, it has been classified as a Variant of Uncertain Significance.

NM_000540.3(RYR1):c.1376A>G (p.Gln459Arg)

Gene: RYR1 (ryanodine receptor 1; plus strand). Cytogenetic location: 19q13.2.
Variant type: single nucleotide variant.
Coding change: c.1376A>G on transcript NM_000540.3 (MANE Select); coding-DNA position 1376, A replaced by G.
Protein change: p.Gln459Arg; replaces glutamine 459 with arginine.
Molecular consequence: missense variant.
Genome position (GRCh38, 1-based): chr19:38,452,950, A>G. VCF-style: chr19-38452950-A-G. GRCh37 (hg19) VCF-style: chr19-38943590-A-G.
Other names: c.1376A>G, p.Gln459Arg (NM_001042723.2); short protein forms Q459R.
Identifiers: ClinVar variation 3624269 (VCV003624269.2).